The following is an entry in ClinVar:

ClinVar aggregate classification (germline): Uncertain significance (1 of 4 stars; one submission).

Conditions:
Hereditary cancer-predisposing syndrome. Also called: Tumor predisposition; Neoplastic Syndromes, Hereditary; Hereditary neoplastic syndrome; Hereditary Cancer Syndrome. Identifiers: Orphanet 140162, MedGen C0027672, MeSH D009386, MONDO:0015356.

Submission:

Color Diagnostics, LLC DBA Color Health
Classification: Uncertain significance for Hereditary cancer-predisposing syndrome. Last evaluated: 2023-12-05. Review status: criteria provided, single submitter. Criteria: ACMG Guidelines, 2015. Collection method: clinical testing. Allele origin: germline.
Comment: This missense variant replaces isoleucine with valine at codon 874 of the MSH6 protein. Computational prediction suggests that this variant may not impact protein structure and function (internally defined REVEL score threshold <= 0.5, PMID: 27666373). To our knowledge, functional studies have not been reported for this variant. This variant has not been reported in individuals affected with MSH6-related disorders in the literature. This variant has not been identified in the general population by the Genome Aggregation Database (gnomAD). The available evidence is insufficient to determine the role of this variant in disease conclusively. Therefore, this variant is classified as a Variant of Uncertain Significance.

NM_000179.3(MSH6):c.2620A>G (p.Ile874Val)

Gene: MSH6 (mutS homolog 6; plus strand). Cytogenetic location: 2p16.3.
Variant type: single nucleotide variant.
Coding change: c.2620A>G on transcript NM_000179.3 (MANE Select); coding-DNA position 2620, A replaced by G.
Protein change: p.Ile874Val; replaces isoleucine 874 with valine.
Molecular consequence: missense variant.
Genome position (GRCh38, 1-based): chr2:47,800,603, A>G. VCF-style: chr2-47800603-A-G. GRCh37 (hg19) VCF-style: chr2-48027742-A-G.
Other names: c.2230A>G, p.Ile744Val (NM_001281492.2); c.1714A>G, p.Ile572Val (NM_001281493.2, NM_001281494.2); short protein forms I874V, I572V, I744V.
Identifiers: ClinVar variation 630975 (VCV000630975.5), dbSNP rs1558666012, ClinGen allele CA346755023.